The following is an entry in ClinVar:

ClinVar aggregate classification (germline): Uncertain significance (1 of 4 stars; one submission).

Conditions:
Frasier syndrome. Identifiers: Orphanet 347, MedGen C0950122, MeSH D052159, MONDO:0007635, OMIM 136680.
Drash syndrome (DDS). Also called: NEPHROPATHY, WILMS TUMOR, AND GENITAL ANOMALIES; WILMS TUMOR AND PSEUDO- OR TRUE HERMAPHRODITISM. Identifiers: Orphanet 220, MedGen C0950121, MONDO:0008682, OMIM 194080.
Wilms tumor 1 (WT1). Also called: Wilms tumor, somatic. Identifiers: Orphanet 654, MedGen CN033288, MONDO:0008679, OMIM 194070.
11p partial monosomy syndrome (WAGR). Also called: WAGR syndrome; WAGR Complex; CHROMOSOME 11p13 DELETION SYNDROME; WAGR Spectrum Disorder. Identifiers: Orphanet 893, MedGen C0206115, MONDO:0008681, OMIM 194072.

gnomAD v4.1: 2 of 1,490,408 alleles (0.00013%); highest among the groups gnomAD compares: Non-Finnish European, 0.00018%; no homozygotes.

Submission:

Labcorp Genetics (formerly Invitae), Labcorp
Classification: Uncertain significance for Wilms tumor 1; Drash syndrome; 11p partial monosomy syndrome; Frasier syndrome. Last evaluated: 2024-01-26. Review status: criteria provided, single submitter. Criteria: Invitae Variant Classification Sherloc (09022015). Collection method: clinical testing. Allele origin: germline.
Comment: This sequence change replaces glycine, which is neutral and non-polar, with aspartic acid, which is acidic and polar, at codon 90 of the WT1 protein (p.Gly90Asp). This variant is not present in population databases (gnomAD no frequency). This variant has not been reported in the literature in individuals affected with WT1-related conditions. An algorithm developed to predict the effect of missense changes on protein structure and function (PolyPhen-2) suggests that this variant is likely to be disruptive. In summary, the available evidence is currently insufficient to determine the role of this variant in disease. Therefore, it has been classified as a Variant of Uncertain Significance.

NM_024426.6(WT1):c.284G>A (p.Gly95Asp)

Genes: WT1 (WT1 transcription factor; minus strand), LOC107982234 (WT1/WT1-AS bi-directional promoter region; plus strand). Cytogenetic location: 11p13.
Variant type: single nucleotide variant.
Coding change: c.284G>A on transcript NM_024426.6 (MANE Select); coding-DNA position 284, G replaced by A.
Protein change: p.Gly95Asp; replaces glycine 95 with aspartic acid.
Molecular consequence: missense variant. On other transcripts: non-coding transcript variant (2).
Genome position (GRCh38, 1-based): chr11:32,435,077, C>T on the plus strand (G>A on the coding strand, the complement: WT1 is on the minus strand). VCF-style: chr11-32435077-C-T. GRCh37 (hg19) VCF-style: chr11-32456623-C-T.
Other names: c.284G>A, p.Gly95Asp (NM_000378.6, NM_001407044.1, NM_001407045.1 and 6 more transcripts); c.269G>A, p.Gly90Asp (NM_024425.2); short protein forms G90D, G95D.
Identifiers: ClinVar variation 2928067 (VCV002928067.3), dbSNP rs1454795891, ClinGen allele CA379966006.